The following is an entry in ClinVar:

ClinVar aggregate classification (germline): Benign/Likely benign. Review status: criteria provided, multiple submitters, no conflicts (2 of 4 stars). 4 submissions from 4 submitters: Benign (1); Likely benign (2). 1 of the submissions does not count toward it. Last evaluated 2025-12-13.

Conditions:
DOCK6-related disorder. Also called: DOCK6-related condition.

Allele frequency attached by ClinVar (database versions not stated): TOPMed 0.00021; ESP Exome Variant Server 0.00058; 1000 Genomes Project 30x 0.00062; 1000 Genomes Project 0.00080; gnomAD 0.00145 and 0.00148; ExAC 0.00146; gnomAD exomes 0.00161.
gnomAD v4.1: 1,404 of 1,575,510 alleles (0.089%); highest among the groups gnomAD compares: Non-Finnish European, 0.04%; 3 homozygotes.

Submissions (4):

Labcorp Genetics (formerly Invitae), Labcorp
Classification: Benign. Last evaluated: 2025-12-13. Review status: criteria provided, single submitter. Criteria: Invitae Variant Classification Sherloc (09022015). Collection method: clinical testing. Allele origin: germline.

Blueprint Genetics
Classification: Likely benign. Last evaluated: 2024-11-08. Review status: criteria provided, single submitter. Criteria: ACMG Guidelines, 2015. Collection method: clinical testing. Allele origin: germline.

GeneDx
Classification: Likely benign. Last evaluated: 2020-09-01. Review status: criteria provided, single submitter. Criteria: GeneDx Variant Classification Process June 2021. Collection method: clinical testing. Allele origin: germline. Affected: yes.

PreventionGenetics, part of Exact Sciences
Classification: Likely benign for DOCK6-related condition. Last evaluated: 2021-10-06. Review status: no assertion criteria provided. Collection method: clinical testing. Allele origin: germline. Not counted in ClinVar's aggregate classification.
Comment: This variant is classified as likely benign based on ACMG/AMP sequence variant interpretation guidelines (Richards et al. 2015 PMID: 25741868, with internal and published modifications).

NM_020812.4(DOCK6):c.1993G>A (p.Gly665Arg)

Gene: DOCK6 (dedicator of cytokinesis 6; minus strand). Cytogenetic location: 19p13.2.
Variant type: single nucleotide variant.
Coding change: c.1993G>A on transcript NM_020812.4 (MANE Select); coding-DNA position 1993, G replaced by A.
Protein change: p.Gly665Arg; replaces glycine 665 with arginine.
Molecular consequence: missense variant.
Genome position (GRCh38, 1-based): chr19:11,237,536, C>T on the plus strand (G>A on the coding strand, the complement: DOCK6 is on the minus strand). VCF-style: chr19-11237536-C-T. GRCh37 (hg19) VCF-style: chr19-11348212-C-T.
Other names: c.1993G>A, p.Gly665Arg (NM_001367830.1); short protein forms G665R.
Identifiers: ClinVar variation 719303 (VCV000719303.14), dbSNP rs17001264, ClinGen allele CA9207768.